The following is an entry in ClinVar:

NM_005670.4(EPM2A):c.814C>T (p.Arg272Cys)

Gene: EPM2A (EPM2A glucan phosphatase, laforin; minus strand). Cytogenetic location: 6q24.3.
Variant type: single nucleotide variant.
Coding change: c.814C>T on transcript NM_005670.4 (MANE Select); coding-DNA position 814, C replaced by T.
Protein change: p.Arg272Cys; replaces arginine 272 with cysteine.
Molecular consequence: missense variant. On other transcripts: non-coding transcript variant (1).
Genome position (GRCh38, 1-based): chr6:145,627,598, G>A on the plus strand (C>T on the coding strand, the complement: EPM2A is on the minus strand). VCF-style: chr6-145627598-G-A. GRCh37 (hg19) VCF-style: chr6-145948734-G-A.
Other names: NM_005670.4(EPM2A):c.814C>T; p.Arg272Cys; c.814C>T, p.Arg272Cys (NM_001018041.2); c.572C>T, p.Pro191Leu (NM_001360057.2); c.400C>T, p.Arg134Cys (NM_001360064.2, NM_001360071.2, NM_001368131.1); c.352C>T, p.Arg118Cys (NM_001368129.2, NM_001368132.1); short protein forms R134C, P191L, R272C, R118C.
Identifiers: ClinVar variation 810002 (VCV000810002.55), dbSNP rs765820100, ClinGen allele CA4035067.

ClinVar aggregate classification (germline): Conflicting classifications of pathogenicity. Review status: criteria provided, conflicting classifications (1 of 4 stars). 7 submissions from 7 submitters: Likely pathogenic (1); Uncertain significance (6). Last evaluated 2026-08-26.

Conditions:
EPM2A-related disorders.
Lafora disease. Also called: Progressive Myoclonus Epilepsy, Lafora Type; Epilepsy progressive myoclonic 2. Identifiers: Orphanet 501, MedGen C0751783, MONDO:0009697.
Inborn genetic diseases. Identifiers: MedGen C0950123, MeSH D030342.
Progressive myoclonic epilepsy. Also called: Myoclonic Epilepsies, Progressive; Progressive myoclonus epilepsy; Familial progressive myoclonic epilepsy; Myoclonus epilepsy. Identifiers: Orphanet 308, Orphanet 98261, MedGen C0751778, MONDO:0020074.

Allele frequency attached by ClinVar (database versions not stated): gnomAD 0.00001; TOPMed 0.00005.
gnomAD v4.1: 31 of 1,614,226 alleles (0.0019%); highest among the groups gnomAD compares: Non-Finnish European, 0.0024%; no homozygotes.

Submissions (7):

GeneDx
Classification: Uncertain significance. Last evaluated: 2026-08-26. Review status: criteria provided, single submitter. Criteria: GeneDx Variant Classification Process June 2021. Collection method: clinical testing. Allele origin: germline.
Comment: Not observed at significant frequency in large population cohorts (gnomAD); In silico analysis supports that this missense variant has a deleterious effect on protein structure/function; This variant is associated with the following publications: (PMID: 34426522, 31493945)

Labcorp Genetics (formerly Invitae), Labcorp
Classification: Uncertain significance for Progressive myoclonic epilepsy. Last evaluated: 2025-11-24. Review status: criteria provided, single submitter. Criteria: Invitae Variant Classification Sherloc (09022015). Collection method: clinical testing. Allele origin: germline.
Comment: This sequence change replaces arginine, which is basic and polar, with cysteine, which is neutral and slightly polar, at codon 272 of the EPM2A protein (p.Arg272Cys). This variant is present in population databases (rs765820100, gnomAD 0.004%). This missense change has been observed in individual(s) with progressive myoclonic epilepsy (PMID: 31493945). ClinVar contains an entry for this variant (Variation ID: 810002). Invitae Evidence Modeling of protein sequence and biophysical properties (such as structural, functional, and spatial information, amino acid conservation, physicochemical variation, residue mobility, and thermodynamic stability) has been performed for this missense variant. However, the output from this modeling did not meet the statistical confidence thresholds required to predict the impact of this variant on EPM2A protein function. In summary, the available evidence is currently insufficient to determine the role of this variant in disease. Therefore, it has been classified as a Variant of Uncertain Significance.

Mayo Clinic Laboratories, Mayo Clinic
Classification: Uncertain significance. Last evaluated: 2025-08-15. Review status: criteria provided, single submitter. Criteria: ACMG Guidelines, 2015. Collection method: clinical testing. Allele origin: germline. Observed: 1 variant allele.
Comment: PP3_strong

Broad Center for Mendelian Genomics, Broad Institute of MIT and Harvard
Classification: Uncertain significance for Lafora disease. Last evaluated: 2025-01-03. Review status: criteria provided, single submitter. Criteria: ACMG Guidelines, 2015. Collection method: curation. Allele origin: germline. Inheritance: Autosomal recessive inheritance.
Comment: The p.Arg272Cys variant in EPM2A has been reported, in the compound heterozygous state, in one individual with Lafora disease (PMID: 31493945), and has been identified in 0.002% (28/1180042) of European (non-Finnish) chromosomes by the Genome Aggregation Database (gnomAD; dbSNP ID: rs765820100). Although this variant has been seen in the general population in a heterozygous state, its frequency is low enough to be consistent with a recessive carrier frequency. This variant has also been reported in ClinVar (Variation ID: 810002) and has been interpreted as a variant of uncertain significance by Invitae, Ambry Genetics, GeneDx, and CeGaT Center for Human Genetics Tuebingen. Computational prediction tools and conservation analyses suggest that this variant may impact the protein, though this information is not predictive enough to determine pathogenicity. In summary, the clinical significance of the p.Arg272Cys variant is uncertain. ACMG/AMP Criteria applied: PP3_moderate, PM2_supporting (Richards 2015).

Blueprint Genetics
Classification: Likely pathogenic for EPM2A-related disorders. Last evaluated: 2024-11-04. Review status: criteria provided, single submitter. Criteria: ACMG Guidelines, 2015. Collection method: clinical testing. Allele origin: germline. Affected: yes. Observed: 5 variant alleles.

Ambry Genetics
Classification: Uncertain significance for Inborn genetic diseases. Last evaluated: 2019-11-01. Review status: criteria provided, single submitter. Criteria: Ambry Variant Classification Scheme 2023. Collection method: clinical testing. Allele origin: germline.
Comment: The p.R272C variant (also known as c.814C>T), located in coding exon 4 of the EPM2A gene, results from a C to T substitution at nucleotide position 814. The arginine at codon 272 is replaced by cysteine, an amino acid with highly dissimilar properties. This individual also carried the EPM2A p.W280* pathogenic mutation which was determined by parental studies to be in trans (Arslan EA et al. Brain Dev., 2019 Sep;). This amino acid position is highly conserved in available vertebrate species. In addition, this alteration is predicted to be deleterious by in silico analysis. Since supporting evidence is limited at this time, the clinical significance of this alteration remains unclear.

CeGaT Center for Human Genetics Tuebingen
Classification: Uncertain significance. Last evaluated: 2017-05-01. Review status: criteria provided, single submitter. Criteria: CeGaT Center For Human Genetics Tuebingen Variant Classification Criteria Version 2. Collection method: clinical testing. Allele origin: germline. Affected: yes. Observed: 1 variant allele.

Literature cited by the submitters: PubMed 31493945 (cited by 3 submitters).